The following is an entry in ClinVar:

NM_015335.5(MED13L):c.4609C>T (p.Gln1537Ter)

Gene: MED13L (mediator complex subunit 13L; minus strand). Cytogenetic location: 12q24.21.
Variant type: single nucleotide variant.
Coding change: c.4609C>T on transcript NM_015335.5 (MANE Select); coding-DNA position 4609, C replaced by T.
Protein change: p.Gln1537Ter; replaces glutamine 1537 with a stop codon.
Molecular consequence: nonsense.
Genome position (GRCh38, 1-based): chr12:115,983,463, G>A on the plus strand (C>T on the coding strand, the complement: MED13L is on the minus strand). VCF-style: chr12-115983463-G-A. GRCh37 (hg19) VCF-style: chr12-116421268-G-A.
Other names: short protein forms Q1537*.
Identifiers: ClinVar variation 546033 (VCV000546033.2), dbSNP rs1555243400, ClinGen allele CA386883248.
Genomic context (GRCh38, chr12:115,983,463, plus strand): 5'-GGGGAGCTGCTGATCCATTTGGAGCTAAGGGCCCAGCATTCCCTGGCGTAGCTTGTCCCT[G>A]TGCTGCTGCTGGTGGGGTCTGGTATTTAGGTGGTATCAATAGGCTGCTATCAAGCTGCAG-3'

ClinVar aggregate classification (germline): Pathogenic (1 of 4 stars; one submission).

Submission:

GeneDx
Classification: Pathogenic. Last evaluated: 2018-05-11. Review status: criteria provided, single submitter. Criteria: GeneDx Variant Classification (06012015). Collection method: clinical testing. Allele origin: germline. Affected: yes.
Comment: The Q1537X variant in the MED13L gene has not been reported previously as a pathogenic variant nor as a benign variant to our knowledge. This variant is predicted to cause loss of normal protein function either through protein truncation or nonsense-mediated mRNA decay. The Q1537X variant is not observed in large population cohorts (Lek et al., 2016). We interpret Q1537X as a pathogenic variant.